The following is an entry in ClinVar:

NM_001128840.3(CACNA1D):c.5314C>T (p.Pro1772Ser)

Gene: CACNA1D (calcium voltage-gated channel subunit alpha1 D; plus strand). Cytogenetic location: 3p21.1.
Variant type: single nucleotide variant.
Coding change: c.5314C>T on transcript NM_001128840.3 (MANE Select); coding-DNA position 5314, C replaced by T.
Protein change: p.Pro1772Ser; replaces proline 1772 with serine.
Molecular consequence: missense variant.
Genome position (GRCh38, 1-based): chr3:53,801,331, C>T. VCF-style: chr3-53801331-C-T. GRCh37 (hg19) VCF-style: chr3-53835358-C-T.
Other names: c.5374C>T, p.Pro1792Ser (NM_000720.4); c.5269C>T, p.Pro1757Ser (NM_001128839.3); short protein forms P1757S, P1772S, P1792S.
Identifiers: ClinVar variation 2894359 (VCV002894359.3), dbSNP rs750864029, ClinGen allele CA74859949.

ClinVar aggregate classification (germline): Uncertain significance (1 of 4 stars; one submission).

Allele frequency attached by ClinVar (database versions not stated): TOPMed below 0.00001; gnomAD 0.00001; gnomAD exomes 0.00001.
gnomAD v4.1: 22 of 1,614,046 alleles (0.0014%); highest among the groups gnomAD compares: Non-Finnish European, 0.0019%; no homozygotes.

Submission:

Labcorp Genetics (formerly Invitae), Labcorp
Classification: Uncertain significance. Last evaluated: 2023-11-12. Review status: criteria provided, single submitter. Criteria: Invitae Variant Classification Sherloc (09022015). Collection method: clinical testing. Allele origin: germline.
Comment: This sequence change replaces proline, which is neutral and non-polar, with serine, which is neutral and polar, at codon 1792 of the CACNA1D protein (p.Pro1792Ser). This variant is not present in population databases (gnomAD no frequency). This variant has not been reported in the literature in individuals affected with CACNA1D-related conditions. An algorithm developed to predict the effect of missense changes on protein structure and function (PolyPhen-2) suggests that this variant is likely to be tolerated. In summary, the available evidence is currently insufficient to determine the role of this variant in disease. Therefore, it has been classified as a Variant of Uncertain Significance.